The following is an entry in ClinVar:

ClinVar aggregate classification (germline): Pathogenic/Likely pathogenic. Review status: criteria provided, multiple submitters, no conflicts (2 of 4 stars). 4 submissions from 4 submitters: Pathogenic (2); Likely pathogenic (1). 1 of the submissions does not count toward it. Last evaluated 2025-11-03.

Conditions:
Joubert syndrome 17 (JBTS17). Identifiers: Orphanet 475, MedGen C3553264, MONDO:0013824, OMIM 614615.
Orofaciodigital syndrome type 6 (OFD6). Also called: Oral-facial-digital syndrome type 6; Central polydactyly cleft lip/palate or lingual lump and psychomotor retardation; Y-shaped central metacarpal and cerebellar defect; Joubert syndrome with orofacialdigital anomalies; OROFACIODIGITAL SYNDROME VI; OFDS VI. Identifiers: Orphanet 2754, MedGen C2745997, MONDO:0010176, OMIM 277170.
Joubert syndrome and related disorders. Identifiers: Orphanet 140874, MedGen C5679612, MONDO:0015369.

Submissions (4):

Labcorp Genetics (formerly Invitae), Labcorp
Classification: Pathogenic. Last evaluated: 2025-11-03. Review status: criteria provided, single submitter. Criteria: Invitae Variant Classification Sherloc (09022015). Collection method: clinical testing. Allele origin: germline.
Comment: This sequence change creates a premature translational stop signal (p.Ile980Tyrfs*7) in the CPLANE1 gene. It is expected to result in an absent or disrupted protein product. Loss-of-function variants in CPLANE1 are known to be pathogenic (PMID: 24178751, 26092869). This variant is not present in population databases (gnomAD no frequency). This variant has not been reported in the literature in individuals affected with CPLANE1-related conditions. ClinVar contains an entry for this variant (Variation ID: 591997). For these reasons, this variant has been classified as Pathogenic.

Women's Health and Genetics/Laboratory Corporation of America, LabCorp
Classification: Pathogenic for Joubert syndrome and related disorders. Last evaluated: 2023-12-12. Review status: criteria provided, single submitter. Criteria: LabCorp Variant Classification Summary - May 2015. Collection method: clinical testing. Allele origin: germline.
Comment: Variant summary: CPLANE1 c.2937dupT (p.Ile980TyrfsX7) results in a premature termination codon, predicted to cause a truncation of the encoded protein or absence of the protein due to nonsense mediated decay, which are commonly known mechanisms for disease. The variant was absent in 156962 control chromosomes. To our knowledge, no occurrence of c.2937dupT in individuals affected with Joubert Syndrome And Related Disorders and no experimental evidence demonstrating its impact on protein function have been reported. Three submitters have cited clinical-significance assessments for this variant to ClinVar after 2014. Based on the evidence outlined above, the variant was classified as pathogenic.

Fulgent Genetics
Classification: Likely pathogenic for Orofaciodigital syndrome type 6; Joubert syndrome 17. Last evaluated: 2021-10-11. Review status: criteria provided, single submitter. Criteria: ACMG Guidelines, 2015. Collection method: clinical testing. Allele origin: unknown.

Gharavi Laboratory, Columbia University
Classification: Uncertain significance. Last evaluated: 2018-09-16. Review status: no assertion criteria provided. Criteria: ACMG Guidelines, 2015. Collection method: research. Allele origin: germline. Affected: yes. Not counted in ClinVar's aggregate classification.

Literature cited by the submitters: PubMed 24178751 (cited by Labcorp Genetics (formerly Invitae), Labcorp); PubMed 26092869 (cited by Labcorp Genetics (formerly Invitae), Labcorp).

NM_001384732.1(CPLANE1):c.2937dup (p.Ile980fs)

Gene: CPLANE1 (ciliogenesis and planar polarity effector complex subunit 1; minus strand). Cytogenetic location: 5p13.2.
Variant type: Duplication.
Coding change: c.2937dup on transcript NM_001384732.1 (MANE Select); coding-DNA position 2937, one base duplicated (T; older notation c.2937dupT).
Protein change: p.Ile980fs; shifts the reading frame from isoleucine 980.
Molecular consequence: frameshift variant.
Genome position (GRCh38, 1-based): chr5:37,206,409, A duplicated on the plus strand (T on the coding strand, the reverse complement: CPLANE1 is on the minus strand); the first of 2 consecutive A bases (chr5:37,206,409-37,206,410); duplicating either gives the same sequence. VCF-style (leftmost placement, unchanged base first): chr5-37206408-T-TA. GRCh37 (hg19) VCF-style: chr5-37206510-T-TA.
Other names: c.2937dupT (NM_023073.4); c.2937dup, p.Ile980fs (NM_023073.4); short protein forms I980fs.
Identifiers: ClinVar variation 591997 (VCV000591997.8), dbSNP rs1561601398, ClinGen allele CA891862779.